The following is an entry in ClinVar:

NM_006269.2(RP1):c.1243C>G (p.Gln415Glu)

Gene: RP1 (RP1 axonemal microtubule associated; plus strand). Cytogenetic location: 8q12.1.
Variant type: single nucleotide variant.
Coding change: c.1243C>G on transcript NM_006269.2 (MANE Select); coding-DNA position 1243, C replaced by G.
Protein change: p.Gln415Glu; replaces glutamine 415 with glutamic acid.
Molecular consequence: missense variant. On other transcripts: intron variant (1).
Genome position (GRCh38, 1-based): chr8:54,625,125, C>G. VCF-style: chr8-54625125-C-G. GRCh37 (hg19) VCF-style: chr8-55537685-C-G.
Other names: c.787+2837C>G (NM_001375654.1); short protein forms Q415E.
Identifiers: ClinVar variation 1946826 (VCV001946826.6), dbSNP rs768728647, ClinGen allele CA177236668.

ClinVar aggregate classification (germline): Conflicting classifications of pathogenicity. Review status: criteria provided, conflicting classifications (1 of 4 stars). 2 submissions from 2 submitters: Uncertain significance (1); Likely benign (1). Last evaluated 2026-01-13.

Conditions:
Inborn genetic diseases. Identifiers: MedGen C0950123, MeSH D030342.

Allele frequency attached by ClinVar (database versions not stated): gnomAD exomes 0.00001; TOPMed 0.00001.
gnomAD v4.1: 8 of 1,614,152 alleles (0.0005%); highest among the groups gnomAD compares: Non-Finnish European, 0.00068%; no homozygotes.

Submissions (2):

Labcorp Genetics (formerly Invitae), Labcorp
Classification: Uncertain significance. Last evaluated: 2026-01-13. Review status: criteria provided, single submitter. Criteria: Invitae Variant Classification Sherloc (09022015). Collection method: clinical testing. Allele origin: germline.
Comment: This sequence change replaces glutamine, which is neutral and polar, with glutamic acid, which is acidic and polar, at codon 415 of the RP1 protein (p.Gln415Glu). This variant is not present in population databases (gnomAD no frequency). This variant has not been reported in the literature in individuals affected with RP1-related conditions. ClinVar contains an entry for this variant (Variation ID: 1946826). An algorithm developed to predict the effect of missense changes on protein structure and function outputs the following: PolyPhen-2: "Benign". The glutamic acid amino acid residue is found in multiple mammalian species, which suggests that this missense change does not adversely affect protein function. In summary, the available evidence is currently insufficient to determine the role of this variant in disease. Therefore, it has been classified as a Variant of Uncertain Significance.

Ambry Genetics
Classification: Likely benign for Inborn genetic diseases. Last evaluated: 2022-10-25. Review status: criteria provided, single submitter. Criteria: Ambry Variant Classification Scheme 2023. Collection method: clinical testing. Allele origin: germline.